The following is an entry in ClinVar:

ClinVar aggregate classification (germline): Uncertain significance (1 of 4 stars; one submission).

Conditions:
Primary familial hypertrophic cardiomyopathy (HCM). Identifiers: Orphanet 99739, MedGen C0949658, MeSH D024741, MONDO:0024573. Inheritance: Various modes of inheritance.

Submission:

Labcorp Genetics (formerly Invitae), Labcorp
Classification: Uncertain significance for Primary familial hypertrophic cardiomyopathy. Last evaluated: 2022-03-11. Review status: criteria provided, single submitter. Criteria: Invitae Variant Classification Sherloc (09022015). Collection method: clinical testing. Allele origin: germline.
Comment: This variant has not been reported in the literature in individuals affected with ILK-related conditions. This sequence change replaces leucine, which is neutral and non-polar, with valine, which is neutral and non-polar, at codon 207 of the ILK protein (p.Leu207Val). This variant is not present in population databases (gnomAD no frequency). Algorithms developed to predict the effect of missense changes on protein structure and function (SIFT, PolyPhen-2, Align-GVGD) all suggest that this variant is likely to be tolerated. In summary, the available evidence is currently insufficient to determine the role of this variant in disease. Therefore, it has been classified as a Variant of Uncertain Significance.

NM_004517.4(ILK):c.619C>G (p.Leu207Val)

Genes: TAF10 (TATA-box binding protein associated factor 10; minus strand), ILK (integrin linked kinase; plus strand). Cytogenetic location: 11p15.4.
Variant type: single nucleotide variant.
Coding change: c.619C>G on transcript NM_004517.4 (MANE Select); coding-DNA position 619, C replaced by G.
Protein change: p.Leu207Val; replaces leucine 207 with valine.
Molecular consequence: missense variant. On other transcripts: 3 prime UTR variant (1).
Genome position (GRCh38, 1-based): chr11:6,609,299, C>G. VCF-style: chr11-6609299-C-G. GRCh37 (hg19) VCF-style: chr11-6630530-C-G.
Other names: c.619C>G, p.Leu207Val (NM_001014794.3, NM_001014795.3); c.436C>G, p.Leu146Val (NM_001278441.2); c.217C>G, p.Leu73Val (NM_001278442.2); c.*1623G>C (NM_006284.4); short protein forms L146V, L207V, L73V.
Identifiers: ClinVar variation 2108691 (VCV002108691.4), dbSNP rs2493771740, ClinGen allele CA379461237.